The following is an entry in ClinVar:

NM_033026.6(PCLO):c.11547T>A (p.Ser3849Arg)

Gene: PCLO (piccolo presynaptic cytomatrix protein; minus strand). Cytogenetic location: 7q21.11.
Variant type: single nucleotide variant.
Coding change: c.11547T>A on transcript NM_033026.6 (MANE Select); coding-DNA position 11547, T replaced by A.
Protein change: p.Ser3849Arg; replaces serine 3849 with arginine.
Molecular consequence: missense variant.
Genome position (GRCh38, 1-based): chr7:82,916,439, A>T on the plus strand (T>A on the coding strand, the complement: PCLO is on the minus strand). VCF-style: chr7-82916439-A-T. GRCh37 (hg19) VCF-style: chr7-82545755-A-T.
Other names: c.11547T>A, p.Ser3849Arg (NM_014510.3); c.11547T>A (NM_033026.5); short protein forms S3849R.
Identifiers: ClinVar variation 1347051 (VCV001347051.4), dbSNP rs374906745, ClinGen allele CA4319545.

ClinVar aggregate classification (germline): Uncertain significance. Review status: criteria provided, multiple submitters, no conflicts (2 of 4 stars). 2 submissions from 2 submitters: Uncertain significance (2). Last evaluated 2023-09-29.

Conditions:
Inborn genetic diseases. Identifiers: MedGen C0950123, MeSH D030342.

Allele frequency attached by ClinVar (database versions not stated): TOPMed 0.00003; gnomAD 0.00004 and 0.00007; gnomAD exomes 0.00009 and 0.00010; ExAC 0.00012; 1000 Genomes Project 30x 0.00016; ESP Exome Variant Server 0.00016; 1000 Genomes Project 0.00020.
gnomAD v4.1: 142 of 1,613,592 alleles (0.0088%); highest among the groups gnomAD compares: South Asian, 0.075%; 1 homozygote.

Submissions (2):

Ambry Genetics
Classification: Uncertain significance for Inborn genetic diseases. Last evaluated: 2023-09-29. Review status: criteria provided, single submitter. Criteria: Ambry Variant Classification Scheme 2023. Collection method: clinical testing. Allele origin: germline.

Labcorp Genetics (formerly Invitae), Labcorp
Classification: Uncertain significance. Last evaluated: 2022-08-18. Review status: criteria provided, single submitter. Criteria: Invitae Variant Classification Sherloc (09022015). Collection method: clinical testing. Allele origin: germline.
Comment: This sequence change replaces serine, which is neutral and polar, with arginine, which is basic and polar, at codon 3849 of the PCLO protein (p.Ser3849Arg). This variant is present in population databases (rs374906745, gnomAD 0.05%). This variant has not been reported in the literature in individuals affected with PCLO-related conditions. ClinVar contains an entry for this variant (Variation ID: 1347051). Algorithms developed to predict the effect of missense changes on protein structure and function are either unavailable or do not agree on the potential impact of this missense change (SIFT: "Deleterious"; PolyPhen-2: "Not Available"; Align-GVGD: "Class C0"). In summary, the available evidence is currently insufficient to determine the role of this variant in disease. Therefore, it has been classified as a Variant of Uncertain Significance.